The following is an entry in ClinVar:

NM_015175.3(NBEAL2):c.2231C>T (p.Pro744Leu)

Gene: NBEAL2 (neurobeachin like 2; plus strand). Cytogenetic location: 3p21.31.
Variant type: single nucleotide variant.
Coding change: c.2231C>T on transcript NM_015175.3 (MANE Select); coding-DNA position 2231, C replaced by T.
Protein change: p.Pro744Leu; replaces proline 744 with leucine.
Molecular consequence: missense variant.
Genome position (GRCh38, 1-based): chr3:46,996,350, C>T. VCF-style: chr3-46996350-C-T. GRCh37 (hg19) VCF-style: chr3-47037840-C-T.
Other names: c.2129C>T, p.Pro710Leu (NM_001365116.2); short protein forms P744L, P710L.
Identifiers: ClinVar variation 345636 (VCV000345636.7), dbSNP rs375744996, ClinGen allele CA2360583.
Genomic context (GRCh38, chr3:46,996,350, plus strand): 5'-TCGGCTCCGCTGGATACCGCACAACGACCACCACCACAGGGCTGCCCACACCACCAGTCC[C>T]CGCCACCCTGGCCTACACTCACCCCGCCCTCACCCGCTCCCAGTCAGTCCCAGCCTCCAC-3'
Protein context (NP_055990.1, residues 734-754): TTTGLPTPPV[Pro744Leu]ATLAYTHPAL

ClinVar aggregate classification (germline): Benign/Likely benign. Review status: criteria provided, multiple submitters, no conflicts (2 of 4 stars). 3 submissions from 3 submitters: Benign (2); Likely benign (1). Last evaluated 2026-01-05.

Conditions:
Gray platelet syndrome (GPS). Also called: BLEEDING DISORDER, PLATELET-TYPE, 4. Identifiers: Orphanet 721, MedGen C0272302, MONDO:0007686, OMIM 139090.
NBEAL2-related disorder. Also called: NBEAL2-related condition.

Allele frequency attached by ClinVar (database versions not stated): gnomAD 0.00002 and 0.00047; ESP Exome Variant Server 0.00008; TOPMed 0.00011; gnomAD exomes 0.00090 and 0.00192; ExAC 0.00213; 1000 Genomes Project 30x 0.00265; 1000 Genomes Project 0.00280.
gnomAD v4.1: 1,389 of 1,612,450 alleles (0.086%); highest among the groups gnomAD compares: South Asian, 1.4%; 16 homozygotes.

Submissions (3):

Labcorp Genetics (formerly Invitae), Labcorp
Classification: Benign. Last evaluated: 2026-01-05. Review status: criteria provided, single submitter. Criteria: Invitae Variant Classification Sherloc (09022015). Collection method: clinical testing. Allele origin: germline.

PreventionGenetics, part of Exact Sciences
Classification: Likely benign for NBEAL2-related condition. Last evaluated: 2025-05-01. Review status: criteria provided, single submitter. Criteria: ACMG Guidelines, 2015. Collection method: clinical testing. Allele origin: germline.
Comment: This variant is classified as likely benign based on ACMG/AMP sequence variant interpretation guidelines (Richards et al. 2015 PMID: 25741868, with internal and published modifications).

Illumina Laboratory Services, Illumina
Classification: Benign for Gray platelet syndrome. Last evaluated: 2018-01-13. Review status: criteria provided, single submitter. Criteria: ICSL Variant Classification Criteria 13 December 2019. Collection method: clinical testing. Allele origin: germline.
Comment: This variant was observed in the ICSL laboratory as part of a predisposition screen in an ostensibly healthy population. It had not been previously curated by ICSL or reported in the Human Gene Mutation Database (HGMD: prior to June 1st, 2018), and was therefore a candidate for classification through an automated scoring system. Utilizing variant allele frequency, disease prevalence and penetrance estimates, and inheritance mode, an automated score was calculated to assess if this variant is too frequent to cause the disease. Based on the score and internal cut-off values, a variant classified as benign is not then subjected to further curation. The score for this variant resulted in a classification of benign for this disease.